The following is an entry in ClinVar:

NM_004517.4(ILK):c.199G>A (p.Asp67Asn)

Genes: ILK (integrin linked kinase; plus strand), TAF10 (TATA-box binding protein associated factor 10; minus strand). Cytogenetic location: 11p15.4.
Variant type: single nucleotide variant.
Coding change: c.199G>A on transcript NM_004517.4 (MANE Select); coding-DNA position 199, G replaced by A.
Protein change: p.Asp67Asn; replaces aspartic acid 67 with asparagine.
Molecular consequence: missense variant. On other transcripts: 3 prime UTR variant (1), intron variant (1).
Genome position (GRCh38, 1-based): chr11:6,608,155, G>A. VCF-style: chr11-6608155-G-A. GRCh37 (hg19) VCF-style: chr11-6629385-G-A.
Other names: c.199G>A, p.Asp67Asn (NM_001014794.3, NM_001014795.3, NM_001278441.2); c.*2767C>T (NM_006284.4); c.-147-239G>A (NM_001278442.2); short protein forms D67N.
Identifiers: ClinVar variation 3224307 (VCV003224307.1), dbSNP rs1855122709, ClinGen allele CA379455340.

ClinVar aggregate classification (germline): Uncertain significance (1 of 4 stars; one submission).

Submission:

Ambry Genetics
Classification: Uncertain significance. Last evaluated: 2023-10-15. Review status: criteria provided, single submitter. Criteria: Ambry Variant Classification Scheme 2023. Collection method: clinical testing. Allele origin: germline.
Comment: The p.D67N variant (also known as c.199G>A), located in coding exon 2 of the ILK gene, results from a G to A substitution at nucleotide position 199. The aspartic acid at codon 67 is replaced by asparagine, an amino acid with highly similar properties. This amino acid position is conserved. In addition, this alteration is predicted to be tolerated by in silico analysis. Since supporting evidence is limited at this time, the clinical significance of this alteration remains unclear.